The following is an entry in ClinVar:

ClinVar aggregate classification (germline): Benign. Review status: criteria provided, multiple submitters, no conflicts (2 of 4 stars). 3 submissions from 3 submitters: Benign (3). Last evaluated 2018-06-26.

Conditions:
Loeys-Dietz syndrome 4 (LDS4). Also called: ANEURYSM, AORTIC AND CEREBRAL, WITH ARTERIAL TORTUOSITY AND SKELETAL MANIFESTATIONS; TGFB2-Related Loeys-Dietz Syndrome. Identifiers: MedGen C3553762, MONDO:0013897, OMIM 614816.

Allele frequency attached by ClinVar (database versions not stated): gnomAD exomes 0.32279; gnomAD 0.32524 and 0.33046; TOPMed 0.34637; 1000 Genomes Project 30x 0.41021; 1000 Genomes Project 0.41893.
gnomAD v4.1: 147,815 of 454,240 alleles (33%); highest among the groups gnomAD compares: East Asian, 71%; 27,218 homozygotes.

Submissions (3):

GeneDx
Classification: Benign. Last evaluated: 2018-06-26. Review status: criteria provided, single submitter. Criteria: GeneDx Variant Classification Process June 2021. Collection method: clinical testing. Allele origin: germline. Affected: yes.

Illumina Laboratory Services, Illumina
Classification: Benign for Loeys-Dietz syndrome 4. Last evaluated: 2017-04-27. Review status: criteria provided, single submitter. Criteria: ICSL Variant Classification Criteria 13 December 2019. Collection method: clinical testing. Allele origin: germline.
Comment: This variant was observed as part of a predisposition screen in an ostensibly healthy population. A literature search was performed for the gene, cDNA change, and amino acid change (where applicable). No publications were found based on this search. Allele frequency data from public databases was too high to be consistent with this variant causing disease. Therefore, this variant is classified as benign.

Breakthrough Genomics
Classification: Benign. Review status: criteria provided, single submitter. Criteria: ACMG Guidelines, 2015. Collection method: not provided. Allele origin: germline. Inheritance: Autosomal dominant inheritance. Affected: yes.

NM_003238.6(TGFB2):c.*201A>T

Gene: TGFB2 (transforming growth factor beta 2; plus strand). Cytogenetic location: 1q41.
Variant type: single nucleotide variant.
Coding change: c.*201A>T on transcript NM_003238.6 (MANE Select); 201 bases downstream of the stop codon, A replaced by T.
Molecular consequence: 3 prime UTR variant. On other transcripts: non-coding transcript variant (2).
Genome position (GRCh38, 1-based): chr1:218,441,563, A>T. VCF-style: chr1-218441563-A-T. GRCh37 (hg19) VCF-style: chr1-218614905-A-T.
Other names: c.*201A>T (NM_001135599.4).
Identifiers: ClinVar variation 295498 (VCV000295498.7), dbSNP rs900, ClinGen allele CA10609966.